The following is an entry in ClinVar:

NM_058179.4(PSAT1):c.37G>A (p.Gly13Ser)

Gene: PSAT1 (phosphoserine aminotransferase 1; plus strand). Cytogenetic location: 9q21.2.
Variant type: single nucleotide variant.
Coding change: c.37G>A on transcript NM_058179.4 (MANE Select); coding-DNA position 37, G replaced by A.
Protein change: p.Gly13Ser; replaces glycine 13 with serine.
Molecular consequence: missense variant.
Genome position (GRCh38, 1-based): chr9:78,297,247, G>A. VCF-style: chr9-78297247-G-A. GRCh37 (hg19) VCF-style: chr9-80912163-G-A.
Other names: c.37G>A, p.Gly13Ser (NM_021154.5); short protein forms G13S.
Identifiers: ClinVar variation 2114505 (VCV002114505.4), dbSNP rs2489619662, ClinGen allele CA373871218.
Genomic context (GRCh38, chr9:78,297,247, plus strand): 5'-ACTCACCGCCCTGGCCGCCGCACCATGGACGCCCCCAGGCAGGTGGTCAACTTTGGGCCT[G>A]GTCCCGCCAAGCTGCCGCACTCAGTAAGTCCCCGCGAGCGGGCGCCGGGAGTGAGGTTCA-3'
Protein context (NP_478059.1, residues 3-23): APRQVVNFGP[Gly13Ser]PAKLPHSVLL

ClinVar aggregate classification (germline): Uncertain significance (1 of 4 stars; one submission).

Conditions:
Neu-Laxova syndrome 2. Identifiers: Orphanet 2671, Orphanet 583602, MedGen C4015019, MONDO:0014466, OMIM 616038.

Submission:

Labcorp Genetics (formerly Invitae), Labcorp
Classification: Uncertain significance for Neu-Laxova syndrome 2. Last evaluated: 2022-03-19. Review status: criteria provided, single submitter. Criteria: Invitae Variant Classification Sherloc (09022015). Collection method: clinical testing. Allele origin: germline.
Comment: This sequence change replaces glycine, which is neutral and non-polar, with serine, which is neutral and polar, at codon 13 of the PSAT1 protein (p.Gly13Ser). This variant is not present in population databases (gnomAD no frequency). This variant has not been reported in the literature in individuals affected with PSAT1-related conditions. Algorithms developed to predict the effect of missense changes on protein structure and function are either unavailable or do not agree on the potential impact of this missense change (SIFT: "Deleterious"; PolyPhen-2: "Probably Damaging"; Align-GVGD: "Class C0"). In summary, the available evidence is currently insufficient to determine the role of this variant in disease. Therefore, it has been classified as a Variant of Uncertain Significance.